The following is an entry in ClinVar:

NM_201384.3(PLEC):c.10387C>T (p.Arg3463Cys)

Gene: PLEC (plectin; minus strand). Cytogenetic location: 8q24.3.
Variant type: single nucleotide variant.
Coding change: c.10387C>T on transcript NM_201384.3 (MANE Select); coding-DNA position 10387, C replaced by T.
Protein change: p.Arg3463Cys; replaces arginine 3463 with cysteine.
Molecular consequence: missense variant.
Genome position (GRCh38, 1-based): chr8:143,919,434, G>A on the plus strand (C>T on the coding strand, the complement: PLEC is on the minus strand). VCF-style: chr8-143919434-G-A. GRCh37 (hg19) VCF-style: chr8-144993602-G-A.
Other names: p.Arg3490Cys; c.10468C>T, p.Arg3490Cys (NM_000445.5); c.10345C>T, p.Arg3449Cys (NM_201378.4); c.10321C>T, p.Arg3441Cys (NM_201379.3); c.10798C>T, p.Arg3600Cys (NM_201380.4); c.10291C>T, p.Arg3431Cys (NM_201381.3); c.10387C>T, p.Arg3463Cys (NM_201382.4); c.10399C>T, p.Arg3467Cys (NM_201383.3); short protein forms R3431C, R3441C, R3449C, R3463C, R3467C, R3490C, R3600C.
Identifiers: ClinVar variation 1054222 (VCV001054222.11), dbSNP rs782515444, ClinGen allele CA4924668.
Genomic context (GRCh38, chr8:143,919,434, plus strand): 5'-CGCGGTGGCTGTGCACGGGGTCGATGATGCCGCCCGTGGCGATCTGGGCCTCCAGCAGGC[G>A]GATGCCGTGCTGCCGGAGAACCAGGCCCTTCTGCATGGCCTGGAAGAGGGAGATGGTGCT-3'
Protein context (NP_958786.1, residues 3453-3473): KGLVLRQHGI[Arg3463Cys]LLEAQIATGG

ClinVar aggregate classification (germline): Uncertain significance. Review status: criteria provided, multiple submitters, no conflicts (2 of 4 stars). 3 submissions from 3 submitters: Uncertain significance (3). Last evaluated 2025-06-20.

Conditions:
Epidermolysis bullosa simplex 5B, with muscular dystrophy (EBS5B). Also called: Epidermolysis bullosa simplex with muscular dystrophy; EPIDERMOLYSIS BULLOSA SIMPLEX AND LIMB-GIRDLE MUSCULAR DYSTROPHY. Identifiers: Orphanet 257, MedGen C2931072, MONDO:0009181, OMIM 226670.
Epidermolysis bullosa simplex 5C, with pyloric atresia (EBS5C). Also called: Epidermolysis bullosa simplex with pyloric atresia; PLEC-Related Epidermolysis Bullosa with Pyloric Atresia; PLEC1-Related Epidermolysis Bullosa with Pyloric Atresia. Identifiers: Orphanet 158684, MedGen C2677349, MONDO:0012807, OMIM 612138.
Epidermolysis bullosa simplex, Ogna type (EBS5A). Also called: Pidermolysis bullosa simplex 5A, Ogna type; EPIDERMOLYSIS BULLOSA SIMPLEX 5A, OGNA TYPE. Identifiers: Orphanet 79401, MedGen C0432317, MONDO:0007555, OMIM 131950.
Autosomal recessive limb-girdle muscular dystrophy type 2Q (LGMDR17). Also called: MUSCULAR DYSTROPHY, LIMB-GIRDLE, AUTOSOMAL RECESSIVE 17. Identifiers: Orphanet 254361, MedGen C3150989, MONDO:0013390, OMIM 613723.
Epidermolysis bullosa simplex with nail dystrophy (EBS5D). Identifiers: MedGen C4225309, MONDO:0014661, OMIM 616487.

Allele frequency attached by ClinVar (database versions not stated): gnomAD 0.00001; gnomAD exomes 0.00001 and 0.00003; TOPMed 0.00001; ExAC 0.00003.
gnomAD v4.1: 24 of 1,613,198 alleles (0.0015%); highest among the groups gnomAD compares: South Asian, 0.0088%; no homozygotes.

Submissions (3):

Labcorp Genetics (formerly Invitae), Labcorp
Classification: Uncertain significance for Autosomal recessive limb-girdle muscular dystrophy type 2Q; Epidermolysis bullosa simplex, Ogna type; Epidermolysis bullosa simplex with nail dystrophy; Epidermolysis bullosa simplex 5C, with pyloric atresia; Epidermolysis bullosa simplex 5B, with muscular dystrophy. Last evaluated: 2025-06-20. Review status: criteria provided, single submitter. Criteria: Invitae Variant Classification Sherloc (09022015). Collection method: clinical testing. Allele origin: germline.
Comment: This sequence change replaces arginine, which is basic and polar, with cysteine, which is neutral and slightly polar, at codon 3490 of the PLEC protein (p.Arg3490Cys). This variant is present in population databases (rs782515444, gnomAD 0.02%). This variant has not been reported in the literature in individuals affected with PLEC-related conditions. ClinVar contains an entry for this variant (Variation ID: 1054222). Invitae Evidence Modeling of protein sequence and biophysical properties (such as structural, functional, and spatial information, amino acid conservation, physicochemical variation, residue mobility, and thermodynamic stability) indicates that this missense variant is not expected to disrupt PLEC protein function with a negative predictive value of 80%. In summary, the available evidence is currently insufficient to determine the role of this variant in disease. Therefore, it has been classified as a Variant of Uncertain Significance.

Mayo Clinic Laboratories, Mayo Clinic
Classification: Uncertain significance. Last evaluated: 2024-04-08. Review status: criteria provided, single submitter. Criteria: ACMG Guidelines, 2015. Collection method: clinical testing. Allele origin: germline. Observed: 1 variant allele.

GeneDx
Classification: Uncertain significance. Last evaluated: 2019-12-09. Review status: criteria provided, single submitter. Criteria: GeneDx Variant Classification Process June 2021. Collection method: clinical testing. Allele origin: germline. Affected: yes.
Comment: In silico analysis, which includes protein predictors and evolutionary conservation, supports a deleterious effect; Missense variant in a gene in which most reported pathogenic variants are truncating/loss-of-function; Has not been previously published as pathogenic or benign to our knowledge